The following is an entry in ClinVar:

ClinVar aggregate classification (germline): Uncertain significance (1 of 4 stars; one submission).

Conditions:
Hypertrophic cardiomyopathy. Also called: HYPERTROPHIC MYOCARDIOPATHY. Identifiers: Orphanet 217569, MedGen C0007194, MeSH D002312, MONDO:0005045, HP:0001639.

gnomAD v4.1: 1 of 1,611,516 alleles (0.000062%); highest among the groups gnomAD compares: Non-Finnish European, 0.000085%; no homozygotes.

Submission:

Labcorp Genetics (formerly Invitae), Labcorp
Classification: Uncertain significance for Hypertrophic cardiomyopathy. Last evaluated: 2019-11-08. Review status: criteria provided, single submitter. Criteria: Invitae Variant Classification Sherloc (09022015). Collection method: clinical testing. Allele origin: germline.
Comment: This sequence change replaces proline with threonine at codon 453 of the MYBPC3 protein (p.Pro453Thr). The proline residue is highly conserved and there is a small physicochemical difference between proline and threonine. This variant is not present in population databases (ExAC no frequency). This variant has not been reported in the literature in individuals with MYBPC3-related conditions. Algorithms developed to predict the effect of missense changes on protein structure and function (SIFT, PolyPhen-2, Align-GVGD) all suggest that this variant is likely to be disruptive, but these predictions have not been confirmed by published functional studies and their clinical significance is uncertain. In summary, the available evidence is currently insufficient to determine the role of this variant in disease. Therefore, it has been classified as a Variant of Uncertain Significance.

NM_000256.3(MYBPC3):c.1357C>A (p.Pro453Thr)

Gene: MYBPC3 (myosin binding protein C3; minus strand). Cytogenetic location: 11p11.2.
Variant type: single nucleotide variant.
Coding change: c.1357C>A on transcript NM_000256.3 (MANE Select); coding-DNA position 1357, C replaced by A.
Protein change: p.Pro453Thr; replaces proline 453 with threonine.
Molecular consequence: missense variant.
Genome position (GRCh38, 1-based): chr11:47,342,930, G>T on the plus strand (C>A on the coding strand, the complement: MYBPC3 is on the minus strand). VCF-style: chr11-47342930-G-T. GRCh37 (hg19) VCF-style: chr11-47364481-G-T.
Other names: short protein forms P453T.
Identifiers: ClinVar variation 972479 (VCV000972479.9), dbSNP rs749310275, ClinGen allele CA380326461.